The following is an entry in ClinVar:

NM_000057.4(BLM):c.209A>T (p.Asp70Val)

Gene: BLM (BLM RecQ like helicase; plus strand). Cytogenetic location: 15q26.1.
Variant type: single nucleotide variant.
Coding change: c.209A>T on transcript NM_000057.4 (MANE Select); coding-DNA position 209, A replaced by T.
Protein change: p.Asp70Val; replaces aspartic acid 70 with valine.
Molecular consequence: missense variant. On other transcripts: 5 prime UTR variant (1).
Genome position (GRCh38, 1-based): chr15:90,749,477, A>T. VCF-style: chr15-90749477-A-T. GRCh37 (hg19) VCF-style: chr15-91292707-A-T.
Other names: c.209A>T, p.Asp70Val (NM_001287246.2, NM_001287247.2); c.-1083A>T (NM_001287248.2); short protein forms D70V.
Identifiers: ClinVar variation 3480823 (VCV003480823.1).

ClinVar aggregate classification (germline): Uncertain significance (1 of 4 stars; one submission).

Conditions:
Hereditary cancer-predisposing syndrome. Also called: Tumor predisposition; Neoplastic Syndromes, Hereditary; Hereditary neoplastic syndrome; Hereditary Cancer Syndrome. Identifiers: Orphanet 140162, MedGen C0027672, MeSH D009386, MONDO:0015356.

Submission:

Ambry Genetics
Classification: Uncertain significance for Hereditary cancer-predisposing syndrome. Last evaluated: 2024-08-07. Review status: criteria provided, single submitter. Criteria: Ambry Variant Classification Scheme 2023. Collection method: clinical testing. Allele origin: germline.
Comment: The p.D70V variant (also known as c.209A>T), located in coding exon 2 of the BLM gene, results from an A to T substitution at nucleotide position 209. The aspartic acid at codon 70 is replaced by valine, an amino acid with highly dissimilar properties. This amino acid position is conserved. In addition, this alteration is predicted to be tolerated by in silico analysis. Based on the available evidence, the clinical significance of this variant remains unclear.